The following is an entry in ClinVar:

NM_014319.5(LEMD3):c.2658G>A (p.Lys886=)

Gene: LEMD3 (LEM domain containing 3; plus strand). Cytogenetic location: 12q14.3.
Variant type: single nucleotide variant.
Coding change: c.2658G>A on transcript NM_014319.5 (MANE Select); coding-DNA position 2658, G replaced by A.
Protein change: p.Lys886=; no amino-acid change (lysine 886 retained).
Molecular consequence: synonymous variant.
Genome position (GRCh38, 1-based): chr12:65,246,247, G>A. VCF-style: chr12-65246247-G-A. GRCh37 (hg19) VCF-style: chr12-65640027-G-A.
Other names: c.2655G>A, p.Lys885= (NM_001167614.2).
Identifiers: ClinVar variation 310242 (VCV000310242.16), dbSNP rs17101179, ClinGen allele CA6671277.

ClinVar aggregate classification (germline): Benign. Review status: criteria provided, multiple submitters, no conflicts (2 of 4 stars). 3 submissions from 3 submitters: Benign (3). Last evaluated 2026-02-02.

Conditions:
Dermatofibrosis lenticularis disseminata (BOS). Also called: DERMATOFIBROSIS LENTICULARIS DISSEMINATA WITH OSTEOPOIKILOSIS; DERMATOOSTEOPOIKILOSIS; OSTEOPATHIA CONDENSANS DISSEMINATA. Identifiers: Orphanet 1306, MedGen C0265514, MONDO:0008157, OMIM 166700.

Allele frequency attached by ClinVar (database versions not stated): gnomAD exomes 0.00499; ExAC 0.00626; gnomAD 0.01879 and 0.02008; ESP Exome Variant Server 0.02007; TOPMed 0.02117; 1000 Genomes Project 0.02296; 1000 Genomes Project 30x 0.02405.
gnomAD v4.1: 5,706 of 1,612,914 alleles (0.35%); highest among the groups gnomAD compares: African/African-American, 6.5%; 170 homozygotes.

Submissions (3):

Labcorp Genetics (formerly Invitae), Labcorp
Classification: Benign. Last evaluated: 2026-02-02. Review status: criteria provided, single submitter. Criteria: Invitae Variant Classification Sherloc (09022015). Collection method: clinical testing. Allele origin: germline.

Illumina Laboratory Services, Illumina
Classification: Benign for Dermatofibrosis lenticularis disseminata. Last evaluated: 2018-01-12. Review status: criteria provided, single submitter. Criteria: ICSL Variant Classification Criteria 13 December 2019. Collection method: clinical testing. Allele origin: germline.
Comment: This variant was observed in the ICSL laboratory as part of a predisposition screen in an ostensibly healthy population. It had not been previously curated by ICSL or reported in the Human Gene Mutation Database (HGMD: prior to June 1st, 2018), and was therefore a candidate for classification through an automated scoring system. Utilizing variant allele frequency, disease prevalence and penetrance estimates, and inheritance mode, an automated score was calculated to assess if this variant is too frequent to cause the disease. Based on the score and internal cut-off values, a variant classified as benign is not then subjected to further curation. The score for this variant resulted in a classification of benign for this disease.

Breakthrough Genomics
Classification: Benign. Review status: criteria provided, single submitter. Criteria: ACMG Guidelines, 2015. Collection method: not provided. Allele origin: germline. Inheritance: Autosomal dominant inheritance. Affected: yes.